The following is an entry in ClinVar:

NM_033419.5(PGAP3):c.186G>C (p.Trp62Cys)

Gene: PGAP3 (post-GPI attachment to proteins phospholipase 3; minus strand). Cytogenetic location: 17q12.
Variant type: single nucleotide variant.
Coding change: c.186G>C on transcript NM_033419.5 (MANE Select); coding-DNA position 186, G replaced by C.
Protein change: p.Trp62Cys; replaces tryptophan 62 with cysteine.
Molecular consequence: missense variant.
Genome position (GRCh38, 1-based): chr17:39,686,015, C>G on the plus strand (G>C on the coding strand, the complement: PGAP3 is on the minus strand). VCF-style: chr17-39686015-C-G. GRCh37 (hg19) VCF-style: chr17-37842268-C-G.
Other names: c.186G>C, p.Trp62Cys (NM_001291726.2, NM_001291728.2, NM_001291730.2 and 2 more transcripts); short protein forms W62C.
Identifiers: ClinVar variation 5005746 (VCV005005746.2).

ClinVar aggregate classification (germline): Uncertain significance (1 of 4 stars; one submission).

Conditions:
Hyperphosphatasia with impaired intellectual development syndrome 4. Also called: GLYCOSYLPHOSPHATIDYLINOSITOL BIOSYNTHESIS DEFECT 10; Hyperphosphatasia with intellectual disability syndrome 4. Identifiers: Orphanet 247262, MedGen C3810354, MONDO:0014318, OMIM 615716.

Submission:

Juno Genomics, Hangzhou Juno Genomics, Inc
Classification: Uncertain significance for Hyperphosphatasia with impaired intellectual development syndrome 4. Review status: criteria provided, single submitter. Criteria: ACMG Guidelines, 2015. Collection method: clinical testing. Allele origin: germline.
Comment: Absent from controls (or at extremely low frequency if recessive) in Genome Aggregation Database.;Multiple lines of computational evidence support a deleterious effect on the gene or gene product.